The following is an entry in ClinVar:

ClinVar aggregate classification (germline): Uncertain significance (1 of 4 stars; one submission).

Conditions:
Retinoblastoma (RB1). Also called: RETINOBLASTOMA, SOMATIC. Identifiers: Orphanet 790, MedGen C0035335, MeSH D012175, MONDO:0008380, OMIM 180200, HP:0009919. Disease mechanism: loss of function. Inheritance: Both sporadic and heritable forms are tested..

Submission:

Labcorp Genetics (formerly Invitae), Labcorp
Classification: Uncertain significance for Retinoblastoma. Last evaluated: 2024-08-04. Review status: criteria provided, single submitter. Criteria: Invitae Variant Classification Sherloc (09022015). Collection method: clinical testing. Allele origin: germline.
Comment: This sequence change replaces valine, which is neutral and non-polar, with methionine, which is neutral and non-polar, at codon 213 of the RB1 protein (p.Val213Met). This variant is not present in population databases (gnomAD no frequency). This variant has not been reported in the literature in individuals affected with RB1-related conditions. Advanced modeling of protein sequence and biophysical properties (such as structural, functional, and spatial information, amino acid conservation, physicochemical variation, residue mobility, and thermodynamic stability) performed at Invitae indicates that this missense variant is not expected to disrupt RB1 protein function with a negative predictive value of 80%. In summary, the available evidence is currently insufficient to determine the role of this variant in disease. Therefore, it has been classified as a Variant of Uncertain Significance.

NM_000321.3(RB1):c.637G>A (p.Val213Met)

Gene: RB1 (RB transcriptional corepressor 1; plus strand). Cytogenetic location: 13q14.2.
Variant type: single nucleotide variant.
Coding change: c.637G>A on transcript NM_000321.3 (MANE Select); coding-DNA position 637, G replaced by A.
Protein change: p.Val213Met; replaces valine 213 with methionine.
Molecular consequence: missense variant.
Genome position (GRCh38, 1-based): chr13:48,360,046, G>A. VCF-style: chr13-48360046-G-A. GRCh37 (hg19) VCF-style: chr13-48934182-G-A.
Other names: c.637G>A, p.Val213Met (NM_001407165.1, NM_001407166.1); short protein forms V213M.
Identifiers: ClinVar variation 3605468 (VCV003605468.2).